The following is an entry in ClinVar:

NM_001205293.3(CACNA1E):c.3457C>T (p.Arg1153Cys)

Gene: CACNA1E (calcium voltage-gated channel subunit alpha1 E; plus strand). Cytogenetic location: 1q25.3.
Variant type: single nucleotide variant.
Coding change: c.3457C>T on transcript NM_001205293.3 (MANE Select); coding-DNA position 3457, C replaced by T.
Protein change: p.Arg1153Cys; replaces arginine 1153 with cysteine.
Molecular consequence: missense variant.
Genome position (GRCh38, 1-based): chr1:181,737,559, C>T. VCF-style: chr1-181737559-C-T. GRCh37 (hg19) VCF-style: chr1-181706695-C-T.
Other names: c.3457C>T, p.Arg1153Cys (NM_000721.4); c.3400C>T, p.Arg1134Cys (NM_001205294.2); c.3457C>T (NM_001205293.1); short protein forms R1134C, R1153C.
Identifiers: ClinVar variation 1583964 (VCV001583964.12), dbSNP rs372912168, ClinGen allele CA1275575.
Genomic context (GRCh38, chr1:181,737,559, plus strand): 5'-AGCTCAGCCATGCCCACTGCCCGCAGGATCCGGAGGGCCTGCCACTACATCGTGAACCTG[C>T]GCTACTTTGAGATGTGCATCCTCCTGGTGATTGCAGCCAGCAGCATCGCCCTGGCGGCAG-3'
Protein context (NP_001192222.1, residues 1143-1163): RRACHYIVNL[Arg1153Cys]YFEMCILLVI

ClinVar aggregate classification (germline): Conflicting classifications of pathogenicity. Review status: criteria provided, conflicting classifications (1 of 4 stars). 3 submissions from 3 submitters: Uncertain significance (1); Benign (1); Likely benign (1). Last evaluated 2025-07-27.

Conditions:
Inborn genetic diseases. Identifiers: MedGen C0950123, MeSH D030342.

Allele frequency attached by ClinVar (database versions not stated): gnomAD 0.00003 and 0.00005; gnomAD exomes 0.00007 and 0.00010; ExAC 0.00009; ESP Exome Variant Server 0.00016.
gnomAD v4.1: 142 of 1,613,894 alleles (0.0088%); highest among the groups gnomAD compares: Non-Finnish European, 0.012%; no homozygotes.

Submissions (3):

Labcorp Genetics (formerly Invitae), Labcorp
Classification: Benign. Last evaluated: 2025-07-27. Review status: criteria provided, single submitter. Criteria: Invitae Variant Classification Sherloc (09022015). Collection method: clinical testing. Allele origin: germline.

Ambry Genetics
Classification: Likely benign for Inborn genetic diseases. Last evaluated: 2023-08-02. Review status: criteria provided, single submitter. Criteria: Ambry Variant Classification Scheme 2023. Collection method: clinical testing. Allele origin: germline.

Centre of Medical Genetics, University Hospital Muenster
Classification: Uncertain significance. Last evaluated: 2022-04-12. Review status: criteria provided, single submitter. Criteria: ACMG Guidelines, 2015. Collection method: clinical testing. Allele origin: unknown. Affected: yes. Observed: 1 variant allele.
Comment: ACMG categories: PM2,PP3,BP1